The following is an entry in ClinVar:

NM_001364171.2(ODAD1):c.181C>T (p.Arg61Trp)

Gene: ODAD1 (outer dynein arm docking complex subunit 1; minus strand). Cytogenetic location: 19q13.33.
Variant type: single nucleotide variant.
Coding change: c.181C>T on transcript NM_001364171.2 (MANE Select); coding-DNA position 181, C replaced by T.
Protein change: p.Arg61Trp; replaces arginine 61 with tryptophan.
Molecular consequence: missense variant.
Genome position (GRCh38, 1-based): chr19:48,318,566, G>A on the plus strand (C>T on the coding strand, the complement: ODAD1 is on the minus strand). VCF-style: chr19-48318566-G-A. GRCh37 (hg19) VCF-style: chr19-48821823-G-A.
Other names: c.70C>T, p.Arg24Trp (NM_144577.4); short protein forms R61W, R24W.
Identifiers: ClinVar variation 853793 (VCV000853793.8), dbSNP rs767729076, ClinGen allele CA9549081.

ClinVar aggregate classification (germline): Uncertain significance. Review status: criteria provided, multiple submitters, no conflicts (2 of 4 stars). 2 submissions from 2 submitters: Uncertain significance (2). Last evaluated 2024-05-24.

Conditions:
Primary ciliary dyskinesia. Also called: Ciliary dyskinesia. Identifiers: Orphanet 244, MedGen C0008780, MONDO:0016575, HP:0012265.

Allele frequency attached by ClinVar (database versions not stated): gnomAD 0.00005 and 0.00006; gnomAD exomes 0.00005 and 0.00010; TOPMed 0.00007; ExAC 0.00015.
gnomAD v4.1: 86 of 1,551,026 alleles (0.0055%); highest among the groups gnomAD compares: African/African-American, 0.0055%; no homozygotes.

Submissions (2):

GeneDx
Classification: Uncertain significance. Last evaluated: 2024-05-24. Review status: criteria provided, single submitter. Criteria: GeneDx Variant Classification Process June 2021. Collection method: clinical testing. Allele origin: germline. Affected: yes.
Comment: In silico analysis supports that this missense variant has a deleterious effect on protein structure/function; Has not been previously published as pathogenic or benign to our knowledge

Labcorp Genetics (formerly Invitae), Labcorp
Classification: Uncertain significance for Primary ciliary dyskinesia. Last evaluated: 2022-06-13. Review status: criteria provided, single submitter. Criteria: Invitae Variant Classification Sherloc (09022015). Collection method: clinical testing. Allele origin: germline.
Comment: This sequence change replaces arginine, which is basic and polar, with tryptophan, which is neutral and slightly polar, at codon 24 of the CCDC114 protein (p.Arg24Trp). This variant is present in population databases (rs767729076, gnomAD 0.1%). This variant has not been reported in the literature in individuals affected with CCDC114-related conditions. ClinVar contains an entry for this variant (Variation ID: 853793). Algorithms developed to predict the effect of missense changes on protein structure and function are either unavailable or do not agree on the potential impact of this missense change (SIFT: "Deleterious"; PolyPhen-2: "Possibly Damaging"; Align-GVGD: "Class C0"). In summary, the available evidence is currently insufficient to determine the role of this variant in disease. Therefore, it has been classified as a Variant of Uncertain Significance.